The following is an entry in ClinVar:

ClinVar aggregate classification (germline): Uncertain significance. Review status: criteria provided, multiple submitters, no conflicts (2 of 4 stars). 2 submissions from 2 submitters: Uncertain significance (2). Last evaluated 2025-06-08.

gnomAD v4.1: 71 of 1,612,366 alleles (0.0044%); highest among the groups gnomAD compares: Middle Eastern, 0.016%; 1 homozygote.

Submissions (2):

Labcorp Genetics (formerly Invitae), Labcorp
Classification: Uncertain significance. Last evaluated: 2025-06-08. Review status: criteria provided, single submitter. Criteria: Invitae Variant Classification Sherloc (09022015). Collection method: clinical testing. Allele origin: germline.
Comment: This sequence change replaces lysine, which is basic and polar, with glutamic acid, which is acidic and polar, at codon 1487 of the NIN protein (p.Lys1487Glu). This variant is present in population databases (rs139458897, gnomAD 0.005%). This variant has not been reported in the literature in individuals affected with NIN-related conditions. ClinVar contains an entry for this variant (Variation ID: 3299743). An algorithm developed to predict the effect of missense changes on protein structure and function outputs the following: PolyPhen-2: "Benign". The glutamic acid amino acid residue is found in multiple mammalian species, which suggests that this missense change does not adversely affect protein function. In summary, the available evidence is currently insufficient to determine the role of this variant in disease. Therefore, it has been classified as a Variant of Uncertain Significance.

Ambry Genetics
Classification: Uncertain significance. Last evaluated: 2024-04-01. Review status: criteria provided, single submitter. Criteria: Ambry Variant Classification Scheme 2023. Collection method: clinical testing. Allele origin: germline.

NM_020921.4(NIN):c.4459A>G (p.Lys1487Glu)

Gene: NIN (ninein; minus strand). Cytogenetic location: 14q22.1.
Variant type: single nucleotide variant.
Coding change: c.4459A>G on transcript NM_020921.4 (MANE Select); coding-DNA position 4459, A replaced by G.
Protein change: p.Lys1487Glu; replaces lysine 1487 with glutamic acid.
Molecular consequence: missense variant. On other transcripts: intron variant (1).
Genome position (GRCh38, 1-based): chr14:50,756,571, T>C on the plus strand (A>G on the coding strand, the complement: NIN is on the minus strand). VCF-style: chr14-50756571-T-C. GRCh37 (hg19) VCF-style: chr14-51223289-T-C.
Other names: c.4459A>G, p.Lys1487Glu (NM_182944.3, NM_182946.2); c.2400-1704A>G (NM_016350.5); short protein forms K1487E.
Identifiers: ClinVar variation 3299743 (VCV003299743.2).